The following is an entry in ClinVar:

NM_000094.4(COL7A1):c.6641C>G (p.Pro2214Arg)

Gene: COL7A1 (collagen type VII alpha 1 chain; minus strand). Cytogenetic location: 3p21.31.
Variant type: single nucleotide variant.
Coding change: c.6641C>G on transcript NM_000094.4 (MANE Select); coding-DNA position 6641, C replaced by G.
Protein change: p.Pro2214Arg; replaces proline 2214 with arginine.
Molecular consequence: missense variant.
Genome position (GRCh38, 1-based): chr3:48,573,326, G>C on the plus strand (C>G on the coding strand, the complement: COL7A1 is on the minus strand). VCF-style: chr3-48573326-G-C. GRCh37 (hg19) VCF-style: chr3-48610759-G-C.
Other names: short protein forms P2214R.
Identifiers: ClinVar variation 1912897 (VCV001912897.4), dbSNP rs2044063823, ClinGen allele CA352656002.

ClinVar aggregate classification (germline): Uncertain significance. Review status: criteria provided, multiple submitters, no conflicts (2 of 4 stars). 3 submissions from 3 submitters: Uncertain significance (3). Last evaluated 2026-06-21.

Conditions:
COL7A1-related disorder. Also called: COL7A1-related condition; COL7A1- related disorders.
Inborn genetic diseases. Identifiers: MedGen C0950123, MeSH D030342.

Allele frequency attached by ClinVar (database versions not stated): gnomAD exomes below 0.00001; TOPMed below 0.00001.
gnomAD v4.1: 4 of 1,614,006 alleles (0.00025%); highest among the groups gnomAD compares: Non-Finnish European, 0.00025%; no homozygotes.

Submissions (3):

PreventionGenetics, part of Exact Sciences
Classification: Uncertain significance for COL7A1-related condition. Last evaluated: 2026-06-21. Review status: criteria provided, single submitter. Criteria: ACMG Guidelines, 2015. Collection method: clinical testing. Allele origin: germline.
Comment: The COL7A1 c.6641C>G variant is predicted to result in the amino acid substitution p.Pro2214Arg. To our knowledge, this variant has not been reported in the literature or in a large population database (gnomAD), indicating this variant is rare. At this time, the clinical significance of this variant is uncertain due to the absence of conclusive functional and genetic evidence.

Ambry Genetics
Classification: Uncertain significance for Inborn genetic diseases. Last evaluated: 2026-06-10. Review status: criteria provided, single submitter. Criteria: Ambry Variant Classification Scheme 2023. Collection method: clinical testing. Allele origin: germline.

Labcorp Genetics (formerly Invitae), Labcorp
Classification: Uncertain significance. Last evaluated: 2022-03-11. Review status: criteria provided, single submitter. Criteria: Invitae Variant Classification Sherloc (09022015). Collection method: clinical testing. Allele origin: germline.
Comment: This sequence change replaces proline, which is neutral and non-polar, with arginine, which is basic and polar, at codon 2214 of the COL7A1 protein (p.Pro2214Arg). This variant is not present in population databases (gnomAD no frequency). This variant has not been reported in the literature in individuals affected with COL7A1-related conditions. Advanced modeling of protein sequence and biophysical properties (such as structural, functional, and spatial information, amino acid conservation, physicochemical variation, residue mobility, and thermodynamic stability) performed at Invitae indicates that this missense variant is not expected to disrupt COL7A1 protein function. In summary, the available evidence is currently insufficient to determine the role of this variant in disease. Therefore, it has been classified as a Variant of Uncertain Significance.